The following is an entry in ClinVar:

NM_000059.4(BRCA2):c.9997_9998del (p.Leu3333fs)

Gene: BRCA2 (BRCA2 DNA repair associated; plus strand). Cytogenetic location: 13q13.1.
Variant type: Microsatellite.
Coding change: c.9997_9998del on transcript NM_000059.4 (MANE Select); coding-DNA positions 9997 to 9998, 2 bases deleted (CT; older notation c.9997_9998delCT).
Protein change: p.Leu3333fs; shifts the reading frame from leucine 3333.
Molecular consequence: frameshift variant.
Genome position (GRCh38, 1-based): chr13:32,398,510-32,398,511, CT deleted; deleting any 2 consecutive bases within chr13:32,398,507-32,398,511 gives the same sequence; the c. name uses the placement nearest the transcript's 3' end. VCF-style (leftmost placement, unchanged base first): chr13-32398506-TTC-T. GRCh37 (hg19) VCF-style: chr13-32972643-TTC-T.
Other names: c.9997_9998delCT (NM_000059.3); short protein forms L3333fs.
Identifiers: ClinVar variation 182329 (VCV000182329.25), dbSNP rs730881621, ClinGen allele CA026354.

ClinVar aggregate classification (germline): Conflicting classifications of pathogenicity. Review status: criteria provided, conflicting classifications (1 of 4 stars). 8 submissions from 8 submitters: Uncertain significance (4); Likely benign (4). Last evaluated 2025-12-29.

Conditions:
Breast and/or ovarian cancer. Identifiers: MedGen CN221562.
Hereditary cancer-predisposing syndrome. Also called: Tumor predisposition; Hereditary Cancer Syndrome; Hereditary neoplastic syndrome; Neoplastic Syndromes, Hereditary. Identifiers: Orphanet 140162, MedGen C0027672, MeSH D009386, MONDO:0015356.
Hereditary breast ovarian cancer syndrome. Also called: Breast and ovarian cancer; Hereditary breast and ovarian cancer syndrome; Hereditary breast and ovarian cancer; BRCA1- and BRCA2-Associated Hereditary Breast and Ovarian Cancer; Hereditary breast and ovarian cancer syndrome (HBOC); Hereditary breast and/or ovarian cancer syndrome. Identifiers: Orphanet 145, MedGen C0677776, MeSH D061325, MONDO:0003582. Disease mechanism: loss of function.
Breast-ovarian cancer, familial, susceptibility to, 2 (BROVCA2). Also called: BRCA2 Hereditary Breast and Ovarian Cancer. Identifiers: Orphanet 145, MedGen C2675520, MONDO:0012933, OMIM 612555. Disease mechanism: loss of function.

Submissions (8):

Labcorp Genetics (formerly Invitae), Labcorp
Classification: Likely benign for Hereditary breast ovarian cancer syndrome. Last evaluated: 2025-12-29. Review status: criteria provided, single submitter. Criteria: Invitae Variant Classification Sherloc (09022015). Collection method: clinical testing. Allele origin: germline.

Quest Diagnostics Nichols Institute San Juan Capistrano
Classification: Uncertain significance. Last evaluated: 2025-05-06. Review status: criteria provided, single submitter. Criteria: Quest Diagnostics criteria. Collection method: clinical testing. Allele origin: unknown.
Comment: The BRCA2 c.9997_9998del (p.Leu3333Phefs*4) variant alters the translational reading frame of the BRCA2 mRNA. However, this variant is not expected to cause loss of protein expression through nonsense-mediate decay. However, it still may disrupt protein function. This variant has been reported in the published literature in an individual with medulloblastoma (PMID: 29753700 (2018)). The frequency of this variant in the general population (Genome Aggregation Database) is uninformative in the assessment of its pathogenicity. Based on the available information, we are unable to determine the clinical significance of this variant.

All of Us Research Program, National Institutes of Health
Classification: Likely benign for Breast-ovarian cancer, familial, susceptibility to, 2. Last evaluated: 2023-08-15. Review status: criteria provided, single submitter. Criteria: ACMG Guidelines, 2015. Collection method: clinical testing. Allele origin: germline. Inheritance: Autosomal dominant inheritance. Observed: 2 variant alleles, 2 heterozygotes.
Comment: This study involves interpretation of variants in research participants for the purpose of population health screening. Participant phenotype was not available at the time of variant classification. Additional details can be found in publication PMID: 35346344, PMCID: PMC8962531

GeneDx
Classification: Uncertain significance. Last evaluated: 2023-06-20. Review status: criteria provided, single submitter. Criteria: GeneDx Variant Classification Process June 2021. Collection method: clinical testing. Allele origin: germline. Affected: yes.
Comment: Frameshift variant predicted to result in protein truncation as the last 86 amino acids are replaced with 3 different amino acids, although loss-of-function variants have not been reported downstream of this position in the protein; Located in a region that tolerates variation and lacks pathogenic variants; Observed in an individual with medulloblastoma (Waszak et al., 2018); Also known as 10225_10226del; This variant is associated with the following publications: (PMID: 34261517, 32672484, 29753700)

Color Diagnostics, LLC DBA Color Health
Classification: Likely benign for Hereditary cancer-predisposing syndrome. Last evaluated: 2022-03-22. Review status: criteria provided, single submitter. Criteria: ACMG Guidelines, 2015. Collection method: clinical testing. Allele origin: germline.

CHEO Genetics Diagnostic Laboratory, Children's Hospital of Eastern Ontario
Classification: Uncertain significance for Breast and/or ovarian cancer. Last evaluated: 2021-01-20. Review status: criteria provided, single submitter. Criteria: ACMG Guidelines, 2015. Collection method: clinical testing. Allele origin: germline.

Women's Health and Genetics/Laboratory Corporation of America, LabCorp
Classification: Uncertain significance. Last evaluated: 2019-09-09. Review status: criteria provided, single submitter. Criteria: LabCorp Variant Classification Summary - May 2015. Collection method: clinical testing. Allele origin: germline.
Comment: Variant summary: BRCA2 c.9997_9998delCT (p.Leu3333PhefsX4) results in a premature termination codon in the last exon of the protein, predicted to cause the truncation of the C-terminal end of the protein that does not belong to any known functional domain. This variant is located downstream of a well-known polymorphism c.9976A>T (p.Lys3326X), that results in a truncated protein, suggesting that the region of the BRCA2 gene beyond codon 3326 is not crucial for proper function. The variant allele was found at a frequency of 6.4e-05 in 31408 control chromosomes. The available data on variant occurrences in the general population are insufficient to allow any conclusion about variant significance. c.9997_9998delCT has been reported in the literature in an individual affected with medulloblastoma (Waszak 2018). This report does not provide unequivocal conclusions about association of the variant with Hereditary Breast and Ovarian Cancer. Co-occurrence with another pathogenic variant has been observed at our laboratory (BRCA1 c.5324T>G, p.Met1775Arg), providing supporting evidence for a benign role. To our knowledge, no experimental evidence demonstrating an impact on protein function has been reported. Three other clinical diagnostic laboratories have submitted clinical-significance assessments for this variant to ClinVar after 2014 without evidence for independent evaluation, with classifications ranging from VUS (n=2) to likely benign (n=1). However, testing information on the family members to rule in or rule out co-segregation with disease was not available. Based on the evidence outlined above, the variant was classified as a VUS-possibly benign.

Ambry Genetics
Classification: Likely benign for Hereditary cancer-predisposing syndrome. Last evaluated: 2017-05-23. Review status: criteria provided, single submitter. Criteria: Ambry Variant Classification Scheme 2023. Collection method: clinical testing. Allele origin: germline.

Literature cited by the submitters: PubMed 29753700 (cited by Quest Diagnostics Nichols Institute San Juan Capistrano and Women's Health and Genetics/Laboratory Corporation of America, LabCorp).